The following is an entry in ClinVar:

ClinVar aggregate classification (germline): Uncertain significance (1 of 4 stars; one submission).

Submission:

Women's Health and Genetics/Laboratory Corporation of America, LabCorp
Classification: Uncertain significance. Last evaluated: 2024-05-03. Review status: criteria provided, single submitter. Criteria: LabCorp Variant Classification Summary - May 2015. Collection method: clinical testing. Allele origin: germline.
Comment: Variant summary: CFTR c.3037C>A (p.Pro1013Thr) results in a non-conservative amino acid change located in the ABC transporter type 1, transmembrane domain (IPR011527) of the encoded protein sequence. Five of five in-silico tools predict a damaging effect of the variant on protein function. The variant was absent in 251138 control chromosomes. The available data on variant occurrences in the general population are insufficient to allow any conclusion about variant significance. To our knowledge, no occurrence of c.3037C>A in individuals affected with Cystic Fibrosis and no experimental evidence demonstrating its impact on protein function have been reported. No submitters have cited clinical-significance assessments for this variant to ClinVar. Based on the evidence outlined above, the variant was classified as uncertain significance.

NM_000492.4(CFTR):c.3037C>A (p.Pro1013Thr)

Genes: CFTR (CF transmembrane conductance regulator; plus strand), CFTR-AS2 (CFTR antisense RNA 2; minus strand), LOC111674472 (DNase I hypersensitive sites in introns 16 and 17a of CFTR; plus strand). Cytogenetic location: 7q31.2.
Variant type: single nucleotide variant.
Coding change: c.3037C>A on transcript NM_000492.4 (MANE Select); coding-DNA position 3037, C replaced by A.
Protein change: p.Pro1013Thr; replaces proline 1013 with threonine.
Molecular consequence: missense variant.
Genome position (GRCh38, 1-based): chr7:117,610,567, C>A. VCF-style: chr7-117610567-C-A. GRCh37 (hg19) VCF-style: chr7-117250621-C-A.
Other names: short protein forms P1013T.
Identifiers: ClinVar variation 3336210 (VCV003336210.1).